The following is an entry in ClinVar:

NM_005546.4(ITK):c.1250A>C (p.Lys417Thr)

Gene: ITK (IL2 inducible T cell kinase; plus strand). Cytogenetic location: 5q33.3.
Variant type: single nucleotide variant.
Coding change: c.1250A>C on transcript NM_005546.4 (MANE Select); coding-DNA position 1250, A replaced by C.
Protein change: p.Lys417Thr; replaces lysine 417 with threonine.
Molecular consequence: missense variant.
Genome position (GRCh38, 1-based): chr5:157,244,279, A>C. VCF-style: chr5-157244279-A-C. GRCh37 (hg19) VCF-style: chr5-156671289-A-C.
Other names: short protein forms K417T.
Identifiers: ClinVar variation 1922213 (VCV001922213.4), dbSNP rs1391284200, ClinGen allele CA361961102.

ClinVar aggregate classification (germline): Uncertain significance (1 of 4 stars; one submission).

Conditions:
Lymphoproliferative syndrome 1 (LPFS1). Identifiers: Orphanet 238505, Orphanet 538963, MedGen C3552634, MONDO:0013081, OMIM 613011.

Allele frequency attached by ClinVar (database versions not stated): gnomAD exomes 0.00001; TOPMed 0.00002.
gnomAD v4.1: 12 of 1,614,064 alleles (0.00074%); highest among the groups gnomAD compares: Non-Finnish European, 0.001%; no homozygotes.

Submission:

Labcorp Genetics (formerly Invitae), Labcorp
Classification: Uncertain significance for Lymphoproliferative syndrome 1. Last evaluated: 2021-12-20. Review status: criteria provided, single submitter. Criteria: Invitae Variant Classification Sherloc (09022015). Collection method: clinical testing. Allele origin: germline.
Comment: In summary, the available evidence is currently insufficient to determine the role of this variant in disease. Therefore, it has been classified as a Variant of Uncertain Significance. Advanced modeling of protein sequence and biophysical properties (such as structural, functional, and spatial information, amino acid conservation, physicochemical variation, residue mobility, and thermodynamic stability) performed at Invitae indicates that this missense variant is not expected to disrupt ITK protein function. This variant has not been reported in the literature in individuals affected with ITK-related conditions. This variant is not present in population databases (gnomAD no frequency). This sequence change replaces lysine, which is basic and polar, with threonine, which is neutral and polar, at codon 417 of the ITK protein (p.Lys417Thr).